The following is an entry in ClinVar:

NM_000465.4(BARD1):c.1857dup (p.Cys620fs)

Gene: BARD1 (BRCA1 associated RING domain 1; minus strand). Cytogenetic location: 2q35.
Variant type: Duplication.
Coding change: c.1857dup on transcript NM_000465.4 (MANE Select); coding-DNA position 1857, one base duplicated (G; older notation c.1857dupG).
Protein change: p.Cys620fs; shifts the reading frame from cysteine 620.
Molecular consequence: frameshift variant. On other transcripts: non-coding transcript variant (3), intron variant (1).
Genome position (GRCh38, 1-based): chr2:214,745,113, C duplicated on the plus strand (G on the coding strand, the reverse complement: BARD1 is on the minus strand). VCF-style (leftmost placement, unchanged base first): chr2-214745112-A-AC. GRCh37 (hg19) VCF-style: chr2-215609836-A-AC.
Other names: c.1800dup, p.Cys601fs (NM_001282543.2); c.504dup, p.Cys169fs (NM_001282545.2); c.447dup, p.Cys150fs (NM_001282548.2); c.365-14605dup (NM_001282549.2); short protein forms C150fs, C169fs, C601fs, C620fs.
Identifiers: ClinVar variation 2583425 (VCV002583425.2), dbSNP rs2469338019, ClinGen allele CA2582342058.

ClinVar aggregate classification (germline): Pathogenic (1 of 4 stars; one submission).

Conditions:
Familial cancer of breast. Also called: Hereditary breast cancer; BREAST CANCER, FAMILIAL; hereditary breast carcinoma. Identifiers: Orphanet 227535, MedGen C0346153, MONDO:0016419, OMIM 114480. Disease mechanism: loss of function.

Submission:

Myriad Genetics, Inc.
Classification: Pathogenic for Familial cancer of breast. Last evaluated: 2023-05-24. Review status: criteria provided, single submitter. Criteria: Myriad Autosomal Dominant, Autosomal Recessive and X-Linked Classification Criteria (2023). Collection method: clinical testing. Allele origin: unknown.
Comment: This variant is considered pathogenic. This variant creates a frameshift predicted to result in premature protein truncation.